The following is an entry in ClinVar:

ClinVar aggregate classification (germline): Uncertain significance (1 of 4 stars; one submission).

Conditions:
SPRY2-related disorder. Also called: SPRY2-related condition.

Submission:

PreventionGenetics, part of Exact Sciences
Classification: Uncertain significance for SPRY2-related condition. Last evaluated: 2023-02-15. Review status: criteria provided, single submitter. Criteria: ACMG Guidelines, 2015. Collection method: clinical testing. Allele origin: germline.
Comment: The SPRY2 c.893_894delCA variant is predicted to result in a frameshift and premature protein termination (p.Thr298Serfs*11). To our knowledge, this variant has not been reported in the literature or in a large population database, indicating this variant is rare. At this time, the clinical significance of this variant is uncertain due to the absence of conclusive functional and genetic evidence.

NM_005842.4(SPRY2):c.893_894del (p.Thr298fs)

Gene: SPRY2 (sprouty RTK signaling antagonist 2; minus strand). Cytogenetic location: 13q31.1.
Variant type: Microsatellite.
Coding change: c.893_894del on transcript NM_005842.4 (MANE Select); coding-DNA positions 893 to 894, 2 bases deleted (CA; older notation c.893_894delCA).
Protein change: p.Thr298fs; shifts the reading frame from threonine 298.
Molecular consequence: frameshift variant.
Genome position (GRCh38, 1-based): chr13:80,336,812-80,336,813, TG deleted on the plus strand (CA on the coding strand, the reverse complement: SPRY2 is on the minus strand); deleting any 2 consecutive bases within chr13:80,336,812-80,336,816 gives the same sequence; the c. name uses the placement nearest the transcript's 3' end. VCF-style (leftmost placement, unchanged base first): chr13-80336811-CTG-C. GRCh37 (hg19) VCF-style: chr13-80910946-CTG-C.
Other names: c.893_894del, p.Thr298fs (NM_001318536.1, NM_001318537.1, NM_001318538.1); short protein forms T298fs.
Identifiers: ClinVar variation 2630300 (VCV002630300.1), dbSNP rs1394405713, ClinGen allele CA645573763.
Genomic context (GRCh38, chr13:80,336,811, plus strand): 5'-AATGATGCTATGTTGGTTTTTCAAAGTTCCTAGGGGGGACAGTGGGAACTTTGCAGCAAA[CTG>C]TGTTTGAGTTTTTACAGCGGCAACCAGGCCTGTTAACCCGGTCATAACACCCCTGGCACA-3'